The following is an entry in ClinVar:

NM_001378454.1(ALMS1):c.2177A>C (p.Tyr726Ser)

Gene: ALMS1 (ALMS1 centrosome and basal body associated protein; plus strand). Cytogenetic location: 2p13.1.
Variant type: single nucleotide variant.
Coding change: c.2177A>C on transcript NM_001378454.1 (MANE Select); coding-DNA position 2177, A replaced by C.
Protein change: p.Tyr726Ser; replaces tyrosine 726 with serine.
Molecular consequence: missense variant.
Genome position (GRCh38, 1-based): chr2:73,448,704, A>C. VCF-style: chr2-73448704-A-C. GRCh37 (hg19) VCF-style: chr2-73675831-A-C.
Other names: c.2180A>C, p.Tyr727Ser (NM_015120.4); short protein forms Y727S, Y726S.
Identifiers: ClinVar variation 1960164 (VCV001960164.5), dbSNP rs1412531766, ClinGen allele CA347267065.

ClinVar aggregate classification (germline): Uncertain significance (1 of 4 stars; one submission).

Conditions:
Alstrom syndrome (ALMS). Identifiers: Orphanet 64, MedGen C0268425, MONDO:0008763, OMIM 203800.

Allele frequency attached by ClinVar (database versions not stated): gnomAD exomes below 0.00001; gnomAD 0.00001.
gnomAD v4.1: 2 of 1,604,604 alleles (0.00012%); highest among the groups gnomAD compares: Admixed American, 0.0017%; no homozygotes.

Submission:

Labcorp Genetics (formerly Invitae), Labcorp
Classification: Uncertain significance for Alstrom syndrome. Last evaluated: 2022-08-01. Review status: criteria provided, single submitter. Criteria: Invitae Variant Classification Sherloc (09022015). Collection method: clinical testing. Allele origin: germline.
Comment: In summary, the available evidence is currently insufficient to determine the role of this variant in disease. Therefore, it has been classified as a Variant of Uncertain Significance. Experimental studies and prediction algorithms are not available or were not evaluated, and the functional significance of this variant is currently unknown. This variant has not been reported in the literature in individuals affected with ALMS1-related conditions. This variant is not present in population databases (gnomAD no frequency). This sequence change replaces tyrosine, which is neutral and polar, with serine, which is neutral and polar, at codon 727 of the ALMS1 protein (p.Tyr727Ser).